The following is an entry in ClinVar:

ClinVar aggregate classification (germline): Uncertain significance (1 of 4 stars; one submission).

gnomAD v4.1: 1 of 1,587,440 alleles (0.000063%); highest among the groups gnomAD compares: South Asian, 0.0011%; no homozygotes.

Submission:

Labcorp Genetics (formerly Invitae), Labcorp
Classification: Uncertain significance. Last evaluated: 2023-01-24. Review status: criteria provided, single submitter. Criteria: Invitae Variant Classification Sherloc (09022015). Collection method: clinical testing. Allele origin: germline.
Comment: This variant is not present in population databases (gnomAD no frequency). This sequence change falls in intron 9 of the ERBIN gene. It does not directly change the encoded amino acid sequence of the ERBIN protein. This variant has not been reported in the literature in individuals affected with ERBIN-related conditions. In summary, the available evidence is currently insufficient to determine the role of this variant in disease. Therefore, it has been classified as a Variant of Uncertain Significance. Algorithms developed to predict the effect of sequence changes on RNA splicing suggest that this variant may disrupt the consensus splice site.

NM_001253697.2(ERBIN):c.672+7A>G

Gene: ERBIN (erbb2 interacting protein; plus strand). Cytogenetic location: 5q12.3.
Variant type: single nucleotide variant.
Coding change: c.672+7A>G on transcript NM_001253697.2 (MANE Select); 7 bases into the intron after coding-DNA position 672, A replaced by G.
Molecular consequence: intron variant.
Genome position (GRCh38, 1-based): chr5:66,023,371, A>G. VCF-style: chr5-66023371-A-G. GRCh37 (hg19) VCF-style: chr5-65319199-A-G.
Other names: c.672+7A>G (NM_001253699.2, NM_018695.4, NM_001253698.2 and 2 more transcripts).
Identifiers: ClinVar variation 2831634 (VCV002831634.3), dbSNP rs2546709652, ClinGen allele CA2674054229.